The following is an entry in ClinVar:

NM_006363.6(SEC23B):c.1475C>T (p.Thr492Ile)

Gene: SEC23B (SEC23 homolog B, COPII component; plus strand). Cytogenetic location: 20p11.23.
Variant type: single nucleotide variant.
Coding change: c.1475C>T on transcript NM_006363.6 (MANE Select); coding-DNA position 1475, C replaced by T.
Protein change: p.Thr492Ile; replaces threonine 492 with isoleucine.
Molecular consequence: missense variant.
Genome position (GRCh38, 1-based): chr20:18,542,366, C>T. VCF-style: chr20-18542366-C-T. GRCh37 (hg19) VCF-style: chr20-18523010-C-T.
Other names: c.1475C>T, p.Thr492Ile (NM_001172745.3, NM_032985.6, NM_032986.5); c.1421C>T, p.Thr474Ile (NM_001172746.3); short protein forms T474I, T492I.
Identifiers: ClinVar variation 1026986 (VCV001026986.7), dbSNP rs757801115, ClinGen allele CA408363858.

ClinVar aggregate classification (germline): Uncertain significance (1 of 4 stars; one submission).

Conditions:
Cowden syndrome 7 (CWS7). Identifiers: Orphanet 201, MedGen C4225179, MONDO:0014802, OMIM 616858.
Congenital dyserythropoietic anemia, type II (CDAN2). Also called: DYSERYTHROPOIETIC ANEMIA, HEMPAS TYPE. Identifiers: Orphanet 98873, MedGen C1306589, MONDO:0009134, OMIM 224100.

Allele frequency attached by ClinVar (database versions not stated): TOPMed below 0.00001; gnomAD 0.00001; gnomAD exomes 0.00001.
gnomAD v4.1: 10 of 1,614,110 alleles (0.00062%); highest among the groups gnomAD compares: Non-Finnish European, 0.00085%; no homozygotes.

Submission:

Labcorp Genetics (formerly Invitae), Labcorp
Classification: Uncertain significance for Congenital dyserythropoietic anemia, type II; Cowden syndrome 7. Last evaluated: 2021-08-27. Review status: criteria provided, single submitter. Criteria: Invitae Variant Classification Sherloc (09022015). Collection method: clinical testing. Allele origin: germline.
Comment: This sequence change replaces threonine with isoleucine at codon 492 of the SEC23B protein (p.Thr492Ile). The threonine residue is moderately conserved and there is a moderate physicochemical difference between threonine and isoleucine. This variant is not present in population databases (ExAC no frequency). This variant has not been reported in the literature in individuals affected with SEC23B-related conditions. Algorithms developed to predict the effect of missense changes on protein structure and function are either unavailable or do not agree on the potential impact of this missense change (SIFT: "Tolerated"; PolyPhen-2: "Possibly Damaging"; Align-GVGD: "Class C15"). In summary, the available evidence is currently insufficient to determine the role of this variant in disease. Therefore, it has been classified as a Variant of Uncertain Significance.